The following is an entry in ClinVar:

ClinVar aggregate classification (germline): Uncertain significance (1 of 4 stars; one submission).

Submission:

Ambry Genetics
Classification: Uncertain significance. Last evaluated: 2023-07-01. Review status: criteria provided, single submitter. Criteria: Ambry Variant Classification Scheme 2023. Collection method: clinical testing. Allele origin: germline.
Comment: The p.R16Q variant (also known as c.47G>A), located in coding exon 1 of the EGLN1 gene, results from a G to A substitution at nucleotide position 47. The arginine at codon 16 is replaced by glutamine, an amino acid with highly similar properties. This amino acid position is conserved. In addition, this alteration is predicted to be tolerated by in silico analysis. Since supporting evidence is limited at this time, the clinical significance of this alteration remains unclear.

NM_022051.3(EGLN1):c.47G>A (p.Arg16Gln)

Gene: EGLN1 (egl-9 family hypoxia inducible factor 1; minus strand). Cytogenetic location: 1q42.2.
Variant type: single nucleotide variant.
Coding change: c.47G>A on transcript NM_022051.3 (MANE Select); coding-DNA position 47, G replaced by A.
Protein change: p.Arg16Gln; replaces arginine 16 with glutamine.
Molecular consequence: missense variant.
Genome position (GRCh38, 1-based): chr1:231,421,842, C>T on the plus strand (G>A on the coding strand, the complement: EGLN1 is on the minus strand). VCF-style: chr1-231421842-C-T. GRCh37 (hg19) VCF-style: chr1-231557588-C-T.
Other names: c.47G>A, p.Arg16Gln (NM_001377260.1, NM_001377261.1); short protein forms R16Q.
Identifiers: ClinVar variation 2624651 (VCV002624651.2), dbSNP rs1384033809, ClinGen allele CA345239332.